The following is an entry in ClinVar:

ClinVar aggregate classification (germline): Uncertain significance (1 of 4 stars; one submission).

Conditions:
Retinoblastoma (RB1). Also called: RETINOBLASTOMA, SOMATIC. Identifiers: Orphanet 790, MedGen C0035335, MeSH D012175, MONDO:0008380, OMIM 180200, HP:0009919. Disease mechanism: loss of function. Inheritance: Both sporadic and heritable forms are tested..

Submission:

Labcorp Genetics (formerly Invitae), Labcorp
Classification: Uncertain significance for Retinoblastoma. Last evaluated: 2022-12-04. Review status: criteria provided, single submitter. Criteria: Invitae Variant Classification Sherloc (09022015). Collection method: clinical testing. Allele origin: germline.
Comment: In summary, the available evidence is currently insufficient to determine the role of this variant in disease. Therefore, it has been classified as a Variant of Uncertain Significance. Advanced modeling of protein sequence and biophysical properties (such as structural, functional, and spatial information, amino acid conservation, physicochemical variation, residue mobility, and thermodynamic stability) has been performed at Invitae for this missense variant, however the output from this modeling did not meet the statistical confidence thresholds required to predict the impact of this variant on RB1 protein function. This variant has not been reported in the literature in individuals affected with RB1-related conditions. This variant is not present in population databases (gnomAD no frequency). This sequence change replaces glutamic acid, which is acidic and polar, with glutamine, which is neutral and polar, at codon 894 of the RB1 protein (p.Glu894Gln).

NM_000321.3(RB1):c.2680G>C (p.Glu894Gln)

Gene: RB1 (RB transcriptional corepressor 1; plus strand). Cytogenetic location: 13q14.2.
Variant type: single nucleotide variant.
Coding change: c.2680G>C on transcript NM_000321.3 (MANE Select); coding-DNA position 2680, G replaced by C.
Protein change: p.Glu894Gln; replaces glutamic acid 894 with glutamine.
Molecular consequence: missense variant.
Genome position (GRCh38, 1-based): chr13:48,477,371, G>C. VCF-style: chr13-48477371-G-C. GRCh37 (hg19) VCF-style: chr13-49051507-G-C.
Other names: c.2680G>C, p.Glu894Gln (NM_001407165.1); c.130G>C, p.Glu44Gln (NM_001407168.1); short protein forms E894Q, E44Q.
Identifiers: ClinVar variation 2818586 (VCV002818586.3), dbSNP rs2138360840, ClinGen allele CA388157799.
Genomic context (GRCh38, chr13:48,477,371, plus strand): 5'-TTTATAAATACACATGAAATGTTTTGCATTTTTTTAATCTGCAGTAAACATCTCCCAGGA[G>C]AGTCCAAATTTCAGCAGAAACTGGCAGAAATGAGTAAGTACTTTTTTCACCTTGTGTAAA-3'
Protein context (NP_000312.2, residues 884-904): EADGSKHLPG[Glu894Gln]SKFQQKLAEM